The following is an entry in ClinVar:

ClinVar aggregate classification (germline): Conflicting classifications of pathogenicity. Review status: criteria provided, conflicting classifications (1 of 4 stars). 4 submissions from 4 submitters: Uncertain significance (3); Likely benign (1). Last evaluated 2025-12-04.

Conditions:
PRMT7-related disorder. Also called: PRMT7-related condition.
Inborn genetic diseases. Identifiers: MedGen C0950123, MeSH D030342.

Allele frequency attached by ClinVar (database versions not stated): gnomAD exomes 0.00006; 1000 Genomes Project 30x 0.00016; ExAC 0.00019; 1000 Genomes Project 0.00020; ESP Exome Variant Server 0.00039; TOPMed 0.00065.
gnomAD v4.1: 173 of 1,546,724 alleles (0.011%); highest among the groups gnomAD compares: African/African-American, 0.23%; no homozygotes.

Submissions (4):

PreventionGenetics, part of Exact Sciences
Classification: Likely benign for PRMT7-related condition. Last evaluated: 2025-12-04. Review status: criteria provided, single submitter. Criteria: ACMG Guidelines, 2015. Collection method: clinical testing. Allele origin: germline.
Comment: This variant is classified as likely benign based on ACMG/AMP sequence variant interpretation guidelines (Richards et al. 2015 PMID: 25741868, with internal and published modifications).

Labcorp Genetics (formerly Invitae), Labcorp
Classification: Uncertain significance. Last evaluated: 2022-08-06. Review status: criteria provided, single submitter. Criteria: Invitae Variant Classification Sherloc (09022015). Collection method: clinical testing. Allele origin: germline.
Comment: This sequence change replaces glycine, which is neutral and non-polar, with arginine, which is basic and polar, at codon 422 of the PRMT7 protein (p.Gly422Arg). This variant is present in population databases (rs146284050, gnomAD 0.2%). This variant has not been reported in the literature in individuals affected with PRMT7-related conditions. Algorithms developed to predict the effect of missense changes on protein structure and function are either unavailable or do not agree on the potential impact of this missense change (SIFT: "Deleterious"; PolyPhen-2: "Possibly Damaging"; Align-GVGD: "Class C15"). In summary, the available evidence is currently insufficient to determine the role of this variant in disease. Therefore, it has been classified as a Variant of Uncertain Significance.

Blueprint Genetics
Classification: Uncertain significance. Last evaluated: 2022-03-27. Review status: criteria provided, single submitter. Criteria: ACMG Guidelines, 2015. Collection method: clinical testing. Allele origin: germline.

Ambry Genetics
Classification: Uncertain significance for Inborn genetic diseases. Last evaluated: 2020-12-19. Review status: criteria provided, single submitter. Criteria: Ambry Variant Classification Scheme 2023. Collection method: clinical testing. Allele origin: germline.

NM_019023.5(PRMT7):c.1264G>C (p.Gly422Arg)

Gene: PRMT7 (protein arginine methyltransferase 7; plus strand). Cytogenetic location: 16q22.1.
Variant type: single nucleotide variant.
Coding change: c.1264G>C on transcript NM_019023.5 (MANE Select); coding-DNA position 1264, G replaced by C.
Protein change: p.Gly422Arg; replaces glycine 422 with arginine.
Molecular consequence: missense variant. On other transcripts: non-coding transcript variant (12).
Genome position (GRCh38, 1-based): chr16:68,347,283, G>C. VCF-style: chr16-68347283-G-C. GRCh37 (hg19) VCF-style: chr16-68381186-G-C.
Other names: c.1114G>C, p.Gly372Arg (NM_001184824.4); c.1264G>C, p.Gly422Arg (NM_001290018.2, NM_001351143.3, NM_001351144.3 and 1 more transcripts); c.1057G>C, p.Gly353Arg (NM_001378020.1); c.1027G>C, p.Gly343Arg (NM_001378021.1, NM_001378022.1, NM_001378023.1); c.1264G>C (NM_019023.2); short protein forms G353R, G372R, G422R, G343R.
Identifiers: ClinVar variation 2163920 (VCV002163920.4), dbSNP rs146284050, ClinGen allele CA8127379.
Genomic context (GRCh38, chr16:68,347,283, plus strand): 5'-GACAGCGTGTGCCTGTGTGTCAGCGATGGCAGCCTGCTCTCCGTGCTGGCCCATCACCTG[G>C]GGGTGGAGCAGGTACTGACATGCACCCTTGTCAGCCTCCTGATGTGGGCTTGTGAGTTAG-3'
Protein context (NP_061896.1, residues 412-432): SLLSVLAHHL[Gly422Arg]VEQVFTVESS